The following is an entry in ClinVar:

NM_004360.5(CDH1):c.164-10T>C

Gene: CDH1 (cadherin 1; plus strand). Cytogenetic location: 16q22.1.
Variant type: single nucleotide variant.
Coding change: c.164-10T>C on transcript NM_004360.5 (MANE Select); 10 bases into the intron before coding-DNA position 164, T replaced by C.
Molecular consequence: intron variant.
Genome position (GRCh38, 1-based): chr16:68,801,660, T>C. VCF-style: chr16-68801660-T-C. GRCh37 (hg19) VCF-style: chr16-68835563-T-C.
Other names: c.-1452-10T>C (NM_001317185.2); c.-1656-10T>C (NM_001317186.2); c.164-10T>C (NM_001317184.2).
Identifiers: ClinVar variation 491506 (VCV000491506.13), dbSNP rs1555514398, ClinGen allele CA658683938.

ClinVar aggregate classification (germline): Likely benign. Review status: criteria provided, multiple submitters, no conflicts (2 of 4 stars). 3 submissions from 3 submitters: Likely benign (3). Last evaluated 2024-09-12.

Conditions:
Hereditary cancer-predisposing syndrome. Also called: Tumor predisposition; Neoplastic Syndromes, Hereditary; Hereditary Cancer Syndrome; Hereditary neoplastic syndrome. Identifiers: Orphanet 140162, MedGen C0027672, MeSH D009386, MONDO:0015356.
Hereditary diffuse gastric adenocarcinoma (HDGC). Also called: DIFFUSE GASTRIC AND LOBULAR BREAST CANCER SYNDROME. Identifiers: Orphanet 26106, MedGen C1708349, MONDO:0007648, OMIM 137215.

Allele frequency attached by ClinVar (database versions not stated): gnomAD exomes below 0.00001.
gnomAD v4.1: 3 of 1,607,076 alleles (0.00019%); highest among the groups gnomAD compares: Non-Finnish European, 0.00026%; no homozygotes.

Submissions (3):

Myriad Genetics, Inc.
Classification: Likely benign for Hereditary diffuse gastric adenocarcinoma. Last evaluated: 2024-09-12. Review status: criteria provided, single submitter. Criteria: Myriad Autosomal Dominant, Autosomal Recessive and X-Linked Classification Criteria (2023). Collection method: clinical testing. Allele origin: unknown.
Comment: This variant is considered likely benign. This variant is intronic and is not expected to impact mRNA splicing.

Labcorp Genetics (formerly Invitae), Labcorp
Classification: Likely benign for Hereditary diffuse gastric adenocarcinoma. Last evaluated: 2022-07-22. Review status: criteria provided, single submitter. Criteria: Invitae Variant Classification Sherloc (09022015). Collection method: clinical testing. Allele origin: germline.

Color Diagnostics, LLC DBA Color Health
Classification: Likely benign for Hereditary cancer-predisposing syndrome. Last evaluated: 2017-09-05. Review status: criteria provided, single submitter. Criteria: ACMG Guidelines, 2015. Collection method: clinical testing. Allele origin: germline.